The following is an entry in ClinVar:

ClinVar aggregate classification (germline): Pathogenic/Likely pathogenic. Review status: criteria provided, multiple submitters, no conflicts (2 of 4 stars). 2 submissions from 2 submitters: Pathogenic (1); Likely pathogenic (1). Last evaluated 2025-08-10.

Conditions:
Glycogen storage disease type III (GSD3). Also called: FORBES DISEASE; Cori disease. Identifiers: Orphanet 366, MedGen C0017922, MONDO:0009291, OMIM 232400.

Submissions (2):

Labcorp Genetics (formerly Invitae), Labcorp
Classification: Pathogenic for Glycogen storage disease type III. Last evaluated: 2025-08-10. Review status: criteria provided, single submitter. Criteria: Invitae Variant Classification Sherloc (09022015). Collection method: clinical testing. Allele origin: germline.
Comment: This sequence change creates a premature translational stop signal (p.Arg610Serfs*3) in the AGL gene. It is expected to result in an absent or disrupted protein product. Loss-of-function variants in AGL are known to be pathogenic (PMID: 19299494). This variant is not present in population databases (gnomAD no frequency). This variant has not been reported in the literature in individuals affected with AGL-related conditions. ClinVar contains an entry for this variant (Variation ID: 1455135). Algorithms developed to predict the effect of sequence changes on RNA splicing suggest that this variant may disrupt the consensus splice site. For these reasons, this variant has been classified as Pathogenic.

Natera, Inc.
Classification: Likely pathogenic for Glycogen storage disease type III. Last evaluated: 2024-12-21. Review status: criteria provided, single submitter. Criteria: Natera Variant Classification Schema (03/2026). Collection method: clinical testing. Allele origin: germline.
Comment: The c.1830delG variant in AGL is a frameshift variant predicted to shift the reading frame beginning at codon 610 and leads to a stop codon 3 codons downstream. This variant is expected to result in nonsense mediated decay, truncation, or a dysfunctional protein product. This variant is rare in the general population with a frequency below the threshold expected for the associated phenotype(s). Given the available evidence, this variant is classified as Likely Pathogenic.

Literature cited by the submitters: PubMed 19299494 (cited by Labcorp Genetics (formerly Invitae), Labcorp).

NM_000642.3(AGL):c.1830del (p.Arg610fs)

Gene: AGL (amylo-alpha-1,6-glucosidase and 4-alpha-glucanotransferase; plus strand). Cytogenetic location: 1p21.2.
Variant type: Deletion.
Coding change: c.1830del on transcript NM_000642.3 (MANE Select); coding-DNA position 1830, one base deleted (G; older notation c.1830delG).
Protein change: p.Arg610fs; shifts the reading frame from arginine 610.
Molecular consequence: frameshift variant.
Genome position (GRCh38, 1-based): chr1:99,880,726, G deleted; the last of 2 consecutive G bases (chr1:99,880,725-99,880,726); deleting either gives the same sequence. VCF-style (leftmost placement, unchanged base first): chr1-99880724-AG-A. GRCh37 (hg19) VCF-style: chr1-100346280-AG-A.
Other names: c.1830delG (NM_000642.2); c.1830delG, p.Arg610Serfs (NM_000028.3, NM_000643.3, NM_000644.3 and 2 more transcripts); c.1782delG, p.Arg594Serfs (NM_000646.3); c.1629delG, p.Arg543Serfs (NM_001425327.1); c.1626delG, p.Arg542Serfs (NM_001425328.1, NM_001425329.1); c.1452delG, p.Arg484Serfs (NM_001425332.1); short protein forms R594fs, R610fs.
Identifiers: ClinVar variation 1455135 (VCV001455135.8), dbSNP rs2101148971, ClinGen allele CA2573131974.
Genomic context (GRCh38, chr1:99,880,724, plus strand): 5'-GGCAGATTAGTTTACCGATATGGAGGAGAACCTGTTGGATCCTTTGTTCAGCCCTGTTTG[AG>A]GCCTTTAATGCCAGCTATTGCACATGCCCTGTTTATGGATATTACGCATGATAATGAGTG-3'